The following is an entry in ClinVar:

NM_001365951.3(KIF1B):c.883-4A>C

Gene: KIF1B (kinesin family member 1B; plus strand). Cytogenetic location: 1p36.22.
Variant type: single nucleotide variant.
Coding change: c.883-4A>C on transcript NM_001365951.3 (MANE Select); 4 bases into the intron before coding-DNA position 883, A replaced by C.
Molecular consequence: intron variant.
Genome position (GRCh38, 1-based): chr1:10,275,424, A>C. VCF-style: chr1-10275424-A-C. GRCh37 (hg19) VCF-style: chr1-10335482-A-C.
Other names: c.865-4A>C (NM_183416.4, NM_015074.3, NM_001365953.1); c.883-4A>C (NM_001365952.1).
Identifiers: ClinVar variation 1764193 (VCV001764193.3), dbSNP rs747362975, ClinGen allele CA580836.
Genomic context (GRCh38, chr1:10,275,424, plus strand): 5'-TGCCTTTCTTGGGAATTTTTTTCCCTAACGAAAAATGCTAAGACCATTTCTTTTCCTTTA[A>C]TAGAGTAAAAAGAAGAAGAAAACAGATTTTATTCCCTACAGGGATTCTGTACTTACTTGG-3'

ClinVar aggregate classification (germline): Uncertain significance (1 of 4 stars; one submission).

Allele frequency attached by ClinVar (database versions not stated): ExAC 0.00001; gnomAD 0.00001; TOPMed 0.00002.
gnomAD v4.1: 3 of 1,507,514 alleles (0.0002%); highest among the groups gnomAD compares: Non-Finnish European, 0.00028%; no homozygotes.

Submission:

Ambry Genetics
Classification: Uncertain significance. Last evaluated: 2025-11-06. Review status: criteria provided, single submitter. Criteria: Ambry Variant Classification Scheme 2023. Collection method: clinical testing. Allele origin: germline.
Comment: The c.865-4A>C intronic variant results from an A to C substitution 4 nucleotides upstream from coding exon 9 in the KIF1B gene. This nucleotide position is not well conserved in available vertebrate species. In silico splice site analysis for this alteration is inconclusive. The evidence for this gene-disease relationship is limited; therefore, the clinical significance of this alteration is unclear.